The following is an entry in ClinVar:

ClinVar aggregate classification (germline): Uncertain significance. Review status: criteria provided, multiple submitters, no conflicts (2 of 4 stars). 5 submissions from 5 submitters: Uncertain significance (3). 2 of the submissions do not count toward it. Last evaluated 2023-09-26.

Conditions:
LCA5-related disorder. Also called: LCA5-related condition.
Inborn genetic diseases. Identifiers: MedGen C0950123, MeSH D030342.
Leber congenital amaurosis (LCA). Also called: Leber's amaurosis. Identifiers: Orphanet 65, MedGen C0339527, MeSH D057130, MONDO:0018998.

Allele frequency attached by ClinVar (database versions not stated): TOPMed 0.00002.
gnomAD v4.1: 28 of 1,613,870 alleles (0.0017%); highest among the groups gnomAD compares: Non-Finnish European, 0.0024%; no homozygotes.

Submissions (5):

Blueprint Genetics
Classification: Uncertain significance. Last evaluated: 2023-09-26. Review status: criteria provided, single submitter. Criteria: ACMG Guidelines, 2015. Collection method: clinical testing. Allele origin: germline.

Labcorp Genetics (formerly Invitae), Labcorp
Classification: Uncertain significance. Last evaluated: 2022-09-13. Review status: criteria provided, single submitter. Criteria: Invitae Variant Classification Sherloc (09022015). Collection method: clinical testing. Allele origin: germline.
Comment: This sequence change replaces isoleucine, which is neutral and non-polar, with valine, which is neutral and non-polar, at codon 157 of the LCA5 protein (p.Ile157Val). This variant is present in population databases (no rsID available, gnomAD 0.002%). This variant has not been reported in the literature in individuals affected with LCA5-related conditions. ClinVar contains an entry for this variant (Variation ID: 847671). Advanced modeling of protein sequence and biophysical properties (such as structural, functional, and spatial information, amino acid conservation, physicochemical variation, residue mobility, and thermodynamic stability) performed at Invitae indicates that this missense variant is not expected to disrupt LCA5 protein function. In summary, the available evidence is currently insufficient to determine the role of this variant in disease. Therefore, it has been classified as a Variant of Uncertain Significance.

Ambry Genetics
Classification: Uncertain significance for Inborn genetic diseases. Last evaluated: 2021-09-17. Review status: criteria provided, single submitter. Criteria: Ambry Variant Classification Scheme 2023. Collection method: clinical testing. Allele origin: germline.

PreventionGenetics, part of Exact Sciences
Classification: Uncertain significance for LCA5-related condition. Last evaluated: 2024-09-16. Review status: no assertion criteria provided. Collection method: clinical testing. Allele origin: germline. Not counted in ClinVar's aggregate classification.
Comment: The LCA5 c.469A>G variant is predicted to result in the amino acid substitution p.Ile157Val. To our knowledge, this variant has not been reported in the literature. This variant is reported in 0.0016% of alleles in individuals of European (Non-Finnish) descent in gnomAD. At this time, the clinical significance of this variant is uncertain due to the absence of conclusive functional and genetic evidence.

Natera, Inc.
Classification: Uncertain significance for Leber congenital amaurosis. Last evaluated: 2020-09-16. Review status: no assertion criteria provided. Collection method: clinical testing. Allele origin: germline. Not counted in ClinVar's aggregate classification.

NM_001122769.3(LCA5):c.469A>G (p.Ile157Val)

Gene: LCA5 (lebercilin LCA5; minus strand). Cytogenetic location: 6q14.1.
Variant type: single nucleotide variant.
Coding change: c.469A>G on transcript NM_001122769.3 (MANE Select); coding-DNA position 469, A replaced by G.
Protein change: p.Ile157Val; replaces isoleucine 157 with valine.
Molecular consequence: missense variant.
Genome position (GRCh38, 1-based): chr6:79,513,463, T>C on the plus strand (A>G on the coding strand, the complement: LCA5 is on the minus strand). VCF-style: chr6-79513463-T-C. GRCh37 (hg19) VCF-style: chr6-80223180-T-C.
Other names: c.469A>G, p.Ile157Val (NM_181714.4); short protein forms I157V.
Identifiers: ClinVar variation 847671 (VCV000847671.10), dbSNP rs901281230, ClinGen allele CA364628843.